The following is an entry in ClinVar:

ClinVar aggregate classification (germline): Pathogenic (1 of 4 stars; one submission).

Conditions:
Peroxisome biogenesis disorder. Identifiers: Orphanet 79189, MedGen C1832200, MONDO:0019234. Disease mechanism: loss of function.

Submission:

Labcorp Genetics (formerly Invitae), Labcorp
Classification: Pathogenic for Peroxisome biogenesis disorder. Last evaluated: 2023-09-27. Review status: criteria provided, single submitter. Criteria: Invitae Variant Classification Sherloc (09022015). Collection method: clinical testing. Allele origin: germline.
Comment: For these reasons, this variant has been classified as Pathogenic. This variant has not been reported in the literature in individuals affected with PEX16-related conditions. This variant is not present in population databases (gnomAD no frequency). This sequence change creates a premature translational stop signal (p.Trp243*) in the PEX16 gene. It is expected to result in an absent or disrupted protein product. Loss-of-function variants in PEX16 are known to be pathogenic (PMID: 9837814, 11890679, 20647552, 20681997).

Literature cited by the submitters: PubMed 9837814; PubMed 11890679; PubMed 20647552; PubMed 20681997.

NM_004813.4(PEX16):c.729G>A (p.Trp243Ter)

Gene: PEX16 (peroxisomal biogenesis factor 16; minus strand). Cytogenetic location: 11p11.2.
Variant type: single nucleotide variant.
Coding change: c.729G>A on transcript NM_004813.4 (MANE Select); coding-DNA position 729, G replaced by A.
Protein change: p.Trp243Ter; replaces tryptophan 243 with a stop codon.
Molecular consequence: nonsense.
Genome position (GRCh38, 1-based): chr11:45,914,169, C>T on the plus strand (G>A on the coding strand, the complement: PEX16 is on the minus strand). VCF-style: chr11-45914169-C-T. GRCh37 (hg19) VCF-style: chr11-45935720-C-T.
Other names: c.729G>A, p.Trp243Ter (NM_057174.3); short protein forms W243*.
Identifiers: ClinVar variation 2763578 (VCV002763578.3), dbSNP rs2494894653, ClinGen allele CA380226751.
Genomic context (GRCh38, chr11:45,914,169, plus strand): 5'-CCCCAGGCAGGCCCAGGCTCACCTGGTCACGTCCACAACACCAGCCAAGAGCCAGGGTTT[C>T]CACGACCTCTGACCCCACAGGCCCAGGCTGAGCACTGACGGCCAAGGCGTCAAGGATGTC-3'